The following is an entry in ClinVar:

NM_001278716.2(FBXL4):c.20T>C (p.Met7Thr)

Gene: FBXL4 (F-box and leucine rich repeat protein 4; minus strand). Cytogenetic location: 6q16.2.
Variant type: single nucleotide variant.
Coding change: c.20T>C on transcript NM_001278716.2 (MANE Select); coding-DNA position 20, T replaced by C.
Protein change: p.Met7Thr; replaces methionine 7 with threonine.
Molecular consequence: missense variant. On other transcripts: non-coding transcript variant (2).
Genome position (GRCh38, 1-based): chr6:98,926,969, A>G on the plus strand (T>C on the coding strand, the complement: FBXL4 is on the minus strand). VCF-style: chr6-98926969-A-G. GRCh37 (hg19) VCF-style: chr6-99374845-A-G.
Other names: c.20T>C, p.Met7Thr (NM_012160.5); short protein forms M7T.
Identifiers: ClinVar variation 437514 (VCV000437514.1), dbSNP rs772196265, ClinGen allele CA3933762.

ClinVar aggregate classification (germline): Uncertain significance (1 of 4 stars; one submission).

Conditions:
Mitochondrial DNA depletion syndrome 13. Also called: FBXL4-Related Encephalomyopathic Mitochondrial DNA Depletion Syndrome; Mitochondrial DNA depletion syndrome 13 (encephalomyopathic type). Identifiers: Orphanet 369897, MedGen C3809592, MONDO:0014198, OMIM 615471.

Allele frequency attached by ClinVar (database versions not stated): ExAC 0.00001; gnomAD exomes 0.00001.
gnomAD v4.1: 3 of 1,613,912 alleles (0.00019%); highest among the groups gnomAD compares: Admixed American, 0.0033%; no homozygotes.

Submission:

Wong Mito Lab, Molecular and Human Genetics, Baylor College of Medicine
Classification: Uncertain significance for Mitochondrial DNA depletion syndrome 13. Last evaluated: 2017-08-10. Review status: criteria provided, single submitter. Criteria: ACMG Guidelines, 2015. Collection method: reference population. Allele origin: germline.
Comment: The NM_012160.4:c.20T>C (NP_036292.2:p.Met7Thr) [GRCH38: NC_000006.12:g.98926969A>G] variant in FBXL4 gene is interpretated to be a Uncertain Significance - Insufficient Evidence based on ACMG guidelines (PMID: 25741868). This variant meets one or more of the following evidence codes reported in the ACMG-guideline. PM2:This variant is absent in key population databases. Based on this evidence code ClinGen Pathogenicity Calculator (PMID:28081714) suggested that the variant is Uncertain Significance - Insufficient Evidence.